The following is an entry in ClinVar:

NM_005228.5(EGFR):c.2930G>C (p.Arg977Pro)

Gene: EGFR (epidermal growth factor receptor; plus strand). Cytogenetic location: 7p11.2.
Variant type: single nucleotide variant.
Coding change: c.2930G>C on transcript NM_005228.5 (MANE Select); coding-DNA position 2930, G replaced by C.
Protein change: p.Arg977Pro; replaces arginine 977 with proline.
Molecular consequence: missense variant.
Genome position (GRCh38, 1-based): chr7:55,200,397, G>C. VCF-style: chr7-55200397-G-C. GRCh37 (hg19) VCF-style: chr7-55268090-G-C.
Other names: c.2930G>C (NM_005228.3); c.2795G>C, p.Arg932Pro (NM_001346897.2, NM_001346899.2); c.2930G>C, p.Arg977Pro (NM_001346898.2); c.2771G>C, p.Arg924Pro (NM_001346900.2); c.2129G>C, p.Arg710Pro (NM_001346941.2); short protein forms R977P, R924P, R932P, R710P.
Identifiers: ClinVar variation 1464964 (VCV001464964.7), dbSNP rs745490627, ClinGen allele CA367582022.

ClinVar aggregate classification (germline): Uncertain significance. Review status: criteria provided, multiple submitters, no conflicts (2 of 4 stars). 2 submissions from 2 submitters: Uncertain significance (2). Last evaluated 2025-07-22.

Conditions:
Hereditary cancer-predisposing syndrome. Also called: Tumor predisposition; Hereditary neoplastic syndrome; Hereditary Cancer Syndrome; Neoplastic Syndromes, Hereditary. Identifiers: Orphanet 140162, MedGen C0027672, MeSH D009386, MONDO:0015356.
EGFR-related lung cancer (EGFR). Identifiers: MedGen CN130014.

Allele frequency attached by ClinVar (database versions not stated): TOPMed below 0.00001.
gnomAD v4.1: 1 of 1,613,934 alleles (0.000062%); highest among the groups gnomAD compares: Non-Finnish European, 0.000085%; no homozygotes.

Submissions (2):

Labcorp Genetics (formerly Invitae), Labcorp
Classification: Uncertain significance for EGFR-related lung cancer. Last evaluated: 2025-07-22. Review status: criteria provided, single submitter. Criteria: Invitae Variant Classification Sherloc (09022015). Collection method: clinical testing. Allele origin: germline.
Comment: This sequence change replaces arginine, which is basic and polar, with proline, which is neutral and non-polar, at codon 977 of the EGFR protein (p.Arg977Pro). This variant is present in population databases (no rsID available, gnomAD 0.007%). This variant has not been reported in the literature in individuals affected with EGFR-related conditions. ClinVar contains an entry for this variant (Variation ID: 1464964). Invitae Evidence Modeling of protein sequence and biophysical properties (such as structural, functional, and spatial information, amino acid conservation, physicochemical variation, residue mobility, and thermodynamic stability) indicates that this missense variant is expected to disrupt EGFR protein function with a positive predictive value of 80%. In summary, the available evidence is currently insufficient to determine the role of this variant in disease. Therefore, it has been classified as a Variant of Uncertain Significance.

Ambry Genetics
Classification: Uncertain significance for Hereditary cancer-predisposing syndrome. Last evaluated: 2025-04-18. Review status: criteria provided, single submitter. Criteria: Ambry Variant Classification Scheme 2023. Collection method: clinical testing. Allele origin: germline.
Comment: The p.R977P variant (also known as c.2930G>C), located in coding exon 24 of the EGFR gene, results from a G to C substitution at nucleotide position 2930. The arginine at codon 977 is replaced by proline, an amino acid with dissimilar properties. This amino acid position is conserved. In addition, the in silico prediction for this alteration is inconclusive. Based on the available evidence, the clinical significance of this variant remains unclear.